The following is an entry in ClinVar:

ClinVar aggregate classification (germline): Pathogenic. Review status: criteria provided, multiple submitters, no conflicts (2 of 4 stars). 2 submissions from 2 submitters: Pathogenic (2). Last evaluated 2026-03-05.

Conditions:
DNA ligase IV deficiency. Identifiers: Orphanet 99812, MedGen C1847827, MONDO:0011686, OMIM 606593.

Submissions (2):

Mendelics
Classification: Pathogenic for DNA ligase IV deficiency. Last evaluated: 2026-03-05. Review status: criteria provided, single submitter. Criteria: ACMG Guidelines, 2015. Collection method: clinical testing. Allele origin: unknown.
Comment: Likely pathogenic/Pathogenic according to ACMG criteria.

Labcorp Genetics (formerly Invitae), Labcorp
Classification: Pathogenic for DNA ligase IV deficiency. Last evaluated: 2024-02-19. Review status: criteria provided, single submitter. Criteria: Invitae Variant Classification Sherloc (09022015). Collection method: clinical testing. Allele origin: germline.
Comment: This sequence change creates a premature translational stop signal (p.Trp526*) in the LIG4 gene. While this is not anticipated to result in nonsense mediated decay, it is expected to disrupt the last 386 amino acid(s) of the LIG4 protein. This variant is not present in population databases (gnomAD no frequency). This variant has not been reported in the literature in individuals affected with LIG4-related conditions. ClinVar contains an entry for this variant (Variation ID: 2088321). This variant disrupts a region of the LIG4 protein in which other variant(s) (p.Arg814*) have been determined to be pathogenic (PMID: 11779494, 15333585, 16088910, 24123394, 24892279, 25239263, 27063650, 27612988). This suggests that this is a clinically significant region of the protein, and that variants that disrupt it are likely to be disease-causing. For these reasons, this variant has been classified as Pathogenic.

Literature cited by the submitters: PubMed 11779494 (cited by Labcorp Genetics (formerly Invitae), Labcorp); PubMed 15333585 (cited by Labcorp Genetics (formerly Invitae), Labcorp); PubMed 16088910 (cited by Labcorp Genetics (formerly Invitae), Labcorp); PubMed 24123394 (cited by Labcorp Genetics (formerly Invitae), Labcorp); PubMed 24892279 (cited by Labcorp Genetics (formerly Invitae), Labcorp); PubMed 25239263 (cited by Labcorp Genetics (formerly Invitae), Labcorp); PubMed 27063650 (cited by Labcorp Genetics (formerly Invitae), Labcorp); PubMed 27612988 (cited by Labcorp Genetics (formerly Invitae), Labcorp).

NM_206937.2(LIG4):c.1578G>A (p.Trp526Ter)

Gene: LIG4 (DNA ligase 4; minus strand). Cytogenetic location: 13q33.3.
Variant type: single nucleotide variant.
Coding change: c.1578G>A on transcript NM_206937.2 (MANE Select); coding-DNA position 1578, G replaced by A.
Protein change: p.Trp526Ter; replaces tryptophan 526 with a stop codon.
Molecular consequence: nonsense.
Genome position (GRCh38, 1-based): chr13:108,209,691, C>T on the plus strand (G>A on the coding strand, the complement: LIG4 is on the minus strand). VCF-style: chr13-108209691-C-T. GRCh37 (hg19) VCF-style: chr13-108862039-C-T.
Other names: c.1578G>A, p.Trp526Ter (NM_001098268.2, NM_001352598.2, NM_001352599.2 and 6 more transcripts); c.1377G>A, p.Trp459Ter (NM_001330595.2); c.1614G>A, p.Trp538Ter (NM_001352604.2); short protein forms W538*, W526*, W459*.
Identifiers: ClinVar variation 2088321 (VCV002088321.5), dbSNP rs2501597863, ClinGen allele CA388616789.